The following is an entry in ClinVar:

NM_145200.5(CABP4):c.478A>G (p.Thr160Ala)

Gene: CABP4 (calcium binding protein 4; plus strand). Cytogenetic location: 11q13.2.
Variant type: single nucleotide variant.
Coding change: c.478A>G on transcript NM_145200.5 (MANE Select); coding-DNA position 478, A replaced by G.
Protein change: p.Thr160Ala; replaces threonine 160 with alanine.
Molecular consequence: missense variant.
Genome position (GRCh38, 1-based): chr11:67,456,379, A>G. VCF-style: chr11-67456379-A-G. GRCh37 (hg19) VCF-style: chr11-67223850-A-G.
Other names: c.478A>G (NM_145200.3); c.163A>G, p.Thr55Ala (NM_001300895.3, NM_001300896.3, NM_001379183.1); short protein forms T160A, T55A.
Identifiers: ClinVar variation 1511064 (VCV001511064.6), dbSNP rs200254813, ClinGen allele CA6140233.

ClinVar aggregate classification (germline): Uncertain significance. Review status: criteria provided, multiple submitters, no conflicts (2 of 4 stars). 4 submissions from 4 submitters: Uncertain significance (3). 1 of the submissions does not count toward it. Last evaluated 2024-09-23.

Conditions:
Retinal dystrophy. Also called: Inherited retinal dystrophy. Identifiers: Orphanet 71862, MedGen C0854723, MeSH D058499, MONDO:0019118, HP:0000556.
Inborn genetic diseases. Identifiers: MedGen C0950123, MeSH D030342.

Allele frequency attached by ClinVar (database versions not stated): gnomAD 0.00005 and 0.00007; TOPMed 0.00007; ExAC 0.00008; 1000 Genomes Project 30x 0.00016; 1000 Genomes Project 0.00020.

Submissions (4):

Blueprint Genetics
Classification: Uncertain significance. Last evaluated: 2024-09-23. Review status: criteria provided, single submitter. Criteria: ACMG Guidelines, 2015. Collection method: clinical testing. Allele origin: germline.

Ambry Genetics
Classification: Uncertain significance for Inborn genetic diseases. Last evaluated: 2022-05-25. Review status: criteria provided, single submitter. Criteria: Ambry Variant Classification Scheme 2023. Collection method: clinical testing. Allele origin: germline.

Labcorp Genetics (formerly Invitae), Labcorp
Classification: Uncertain significance. Last evaluated: 2021-12-09. Review status: criteria provided, single submitter. Criteria: Invitae Variant Classification Sherloc (09022015). Collection method: clinical testing. Allele origin: germline.
Comment: This sequence change replaces threonine, which is neutral and polar, with alanine, which is neutral and non-polar, at codon 160 of the CABP4 protein (p.Thr160Ala). This variant is present in population databases (rs200254813, gnomAD 0.03%). This variant has not been reported in the literature in individuals affected with CABP4-related conditions. Advanced modeling of protein sequence and biophysical properties (such as structural, functional, and spatial information, amino acid conservation, physicochemical variation, residue mobility, and thermodynamic stability) performed at Invitae indicates that this missense variant is expected to disrupt CABP4 protein function. In summary, the available evidence is currently insufficient to determine the role of this variant in disease. Therefore, it has been classified as a Variant of Uncertain Significance.

Institute of Human Genetics, Univ. Regensburg, Univ. Regensburg
Classification: Uncertain significance for Retinal dystrophy. Last evaluated: 2023-01-01. Review status: no assertion criteria provided. Criteria: ACMG Guidelines, 2015. Collection method: clinical testing. Allele origin: germline. Affected: yes. Not counted in ClinVar's aggregate classification.